The following is an entry in ClinVar:

ClinVar aggregate classification (germline): Uncertain significance (1 of 4 stars; one submission).

Conditions:
3-methylglutaconic aciduria type 5. Also called: 3 alpha methylglutaconic aciduria type V; MGA 5; CARDIOMYOPATHY, DILATED, WITH ATAXIA; MGA, TYPE V. Identifiers: Orphanet 66634, MedGen C1857776, MONDO:0012435, OMIM 610198.

Submission:

Labcorp Genetics (formerly Invitae), Labcorp
Classification: Uncertain significance for 3-methylglutaconic aciduria type 5. Last evaluated: 2022-06-10. Review status: criteria provided, single submitter. Criteria: Invitae Variant Classification Sherloc (09022015). Collection method: clinical testing. Allele origin: germline.
Comment: This variant, c.121_126del, results in the deletion of 2 amino acid(s) of the DNAJC19 protein (p.Pro41_Lys42del), but otherwise preserves the integrity of the reading frame. This variant is present in population databases (no rsID available, gnomAD 0.006%). This variant has not been reported in the literature in individuals affected with DNAJC19-related conditions. Experimental studies and prediction algorithms are not available or were not evaluated, and the functional significance of this variant is currently unknown. In summary, the available evidence is currently insufficient to determine the role of this variant in disease. Therefore, it has been classified as a Variant of Uncertain Significance.

NM_145261.4(DNAJC19):c.121_126del (p.Pro41_Lys42del)

Gene: DNAJC19 (DnaJ heat shock protein family (Hsp40) member C19; minus strand). Cytogenetic location: 3q26.33.
Variant type: Deletion.
Coding change: c.121_126del on transcript NM_145261.4 (MANE Select); coding-DNA positions 121 to 126, 6 bases deleted (CCAAAA; older notation c.121_126delCCAAAA).
Protein change: p.Pro41_Lys42del.
Molecular consequence: inframe deletion. On other transcripts: non-coding transcript variant (3).
Genome position (GRCh38, 1-based): chr3:180,988,026-180,988,031, TTTTGG deleted on the plus strand (CCAAAA on the coding strand, the reverse complement: DNAJC19 is on the minus strand); deleting any 6 consecutive bases within chr3:180,988,026-180,988,032 gives the same sequence; the c. name uses the placement nearest the transcript's 3' end. VCF-style (leftmost placement, unchanged base first): chr3-180988025-ATTTTGG-A. GRCh37 (hg19) VCF-style: chr3-180705813-ATTTTGG-A.
Other names: c.46_51del, p.Pro16_Lys17del (NM_001190233.2).
Identifiers: ClinVar variation 2159904 (VCV002159904.1), dbSNP rs1390438286, ClinGen allele CA548509203.